The following is an entry in ClinVar:

ClinVar aggregate classification (germline): Uncertain significance (1 of 4 stars; one submission).

Allele frequency attached by ClinVar (database versions not stated): TOPMed below 0.00001; gnomAD 0.00001.
gnomAD v4.1: 1 of 1,614,006 alleles (0.000062%); highest among the groups gnomAD compares: East Asian, 0.0022%; no homozygotes.

Submission:

Labcorp Genetics (formerly Invitae), Labcorp
Classification: Uncertain significance. Last evaluated: 2023-03-08. Review status: criteria provided, single submitter. Criteria: Invitae Variant Classification Sherloc (09022015). Collection method: clinical testing. Allele origin: germline.
Comment: This sequence change replaces proline, which is neutral and non-polar, with leucine, which is neutral and non-polar, at codon 209 of the COL7A1 protein (p.Pro209Leu). This variant is not present in population databases (gnomAD no frequency). This variant has not been reported in the literature in individuals affected with COL7A1-related conditions. Advanced modeling of protein sequence and biophysical properties (such as structural, functional, and spatial information, amino acid conservation, physicochemical variation, residue mobility, and thermodynamic stability) has been performed at Invitae for this missense variant, however the output from this modeling did not meet the statistical confidence thresholds required to predict the impact of this variant on COL7A1 protein function. In summary, the available evidence is currently insufficient to determine the role of this variant in disease. Therefore, it has been classified as a Variant of Uncertain Significance.

NM_000094.4(COL7A1):c.626C>T (p.Pro209Leu)

Gene: COL7A1 (collagen type VII alpha 1 chain; minus strand). Cytogenetic location: 3p21.31.
Variant type: single nucleotide variant.
Coding change: c.626C>T on transcript NM_000094.4 (MANE Select); coding-DNA position 626, C replaced by T.
Protein change: p.Pro209Leu; replaces proline 209 with leucine.
Molecular consequence: missense variant.
Genome position (GRCh38, 1-based): chr3:48,593,158, G>A on the plus strand (C>T on the coding strand, the complement: COL7A1 is on the minus strand). VCF-style: chr3-48593158-G-A. GRCh37 (hg19) VCF-style: chr3-48630591-G-A.
Other names: short protein forms P209L.
Identifiers: ClinVar variation 3002750 (VCV003002750.3), dbSNP rs1162058411, ClinGen allele CA352743278.